The following is an entry in ClinVar:

NC_000023.10:g.(?_32591627)_(32717430_?)dup

Gene: DMD (dystrophin; minus strand). Cytogenetic location: Xp21.1.
Variant type: Duplication.
Identifiers: ClinVar variation 1458346 (VCV001458346.5).

ClinVar aggregate classification (germline): Pathogenic (1 of 4 stars; one submission).

Conditions:
Duchenne muscular dystrophy (DMD). Also called: Duchenne Muscular Dystrophy (DMD); MUSCULAR DYSTROPHY, PSEUDOHYPERTROPHIC PROGRESSIVE, DUCHENNE TYPE. Identifiers: Orphanet 98896, MedGen C0013264, MONDO:0010679, OMIM 310200.

Submission:

Labcorp Genetics (formerly Invitae), Labcorp
Classification: Pathogenic for Duchenne muscular dystrophy. Last evaluated: 2021-09-14. Review status: criteria provided, single submitter. Criteria: Invitae Variant Classification Sherloc (09022015). Collection method: clinical testing. Allele origin: germline.
Comment: For these reasons, this variant has been classified as Pathogenic. A similar copy number variant has been observed in individuals with DMD-related conditions (PMID: 19937601; Invitae). This variant results in a copy number gain of the genomic region encompassing exon(s) 8-15 of the DMD gene. While the exact position of this variant cannot be determined from the data, sub-genic copy number gains are generally in tandem (PMID: 25640679). This variant is predicted to be out-of-frame, and may result in an absent or disrupted protein product. Loss-of-function variants in DMD are known to be pathogenic (PMID: 16770791, 25007885).

Literature cited by the submitters: PubMed 19937601; PubMed 25640679; PubMed 16770791; PubMed 25007885.